The following is an entry in ClinVar:

ClinVar aggregate classification (germline): Uncertain significance (1 of 4 stars; one submission).

Submission:

Labcorp Genetics (formerly Invitae), Labcorp
Classification: Uncertain significance. Last evaluated: 2022-09-26. Review status: criteria provided, single submitter. Criteria: Invitae Variant Classification Sherloc (09022015). Collection method: clinical testing. Allele origin: germline.
Comment: This sequence change falls in intron 4 of the EFEMP1 gene. It does not directly change the encoded amino acid sequence of the EFEMP1 protein. It affects a nucleotide within the consensus splice site. This variant is not present in population databases (gnomAD no frequency). This variant has not been reported in the literature in individuals affected with EFEMP1-related conditions. Variants that disrupt the consensus splice site are a relatively common cause of aberrant splicing (PMID: 17576681, 9536098). Algorithms developed to predict the effect of sequence changes on RNA splicing suggest that this variant may create or strengthen a splice site. In summary, the available evidence is currently insufficient to determine the role of this variant in disease. Therefore, it has been classified as a Variant of Uncertain Significance.

Literature cited by the submitters: PubMed 17576681; PubMed 9536098.

NM_001039348.3(EFEMP1):c.117_130+5dup

Gene: EFEMP1 (EGF-like fibulin extracellular matrix protein 1; minus strand). Cytogenetic location: 2p16.1.
Variant type: Duplication.
Coding change: c.117_130+5dup on transcript NM_001039348.3 (MANE Select); coding-DNA position 117 through 5 bases into the intron after coding-DNA position 130, 19 bases duplicated (ACAGCAATGCAAAGGTGAG).
Molecular consequence: splice donor variant.
Genome position (GRCh38, 1-based): chr2:55,918,214-55,918,232, CTCACCTTTGCATTGCTGT duplicated on the plus strand (ACAGCAATGCAAAGGTGAG on the coding strand, the reverse complement: EFEMP1 is on the minus strand); duplicating any 19 consecutive bases within chr2:55,918,214-55,918,237 gives the same sequence; the c. name uses the placement nearest the transcript's 3' end. VCF-style (leftmost placement, unchanged base first): chr2-55918213-G-GCTCACCTTTGCATTGCTGT. GRCh37 (hg19) VCF-style: chr2-56145348-G-GCTCACCTTTGCATTGCTGT.
Other names: c.117_130+5dup (NM_001039349.3).
Identifiers: ClinVar variation 2032681 (VCV002032681.4), dbSNP rs2465838537, ClinGen allele CA2580067487.